The following continues an entry in ClinVar:

NM_004006.3(DMD):c.1812+1G>A

Gene: DMD. ClinVar aggregate classification (germline): Pathogenic/Likely pathogenic. Pathogenic (14); Likely pathogenic (4).

Submissions 14 to 23 of 23:

Genetics and Molecular Pathology, SA Pathology
Classification: Pathogenic for Duchenne muscular dystrophy. Last evaluated: 2021-01-14. Review status: criteria provided, single submitter. Criteria: ACMG Guidelines, 2015. Collection method: clinical testing. Allele origin: germline. Inheritance: X-linked recessive inheritance. Affected: yes.

Clinical Molecular Genetics Laboratory, Johns Hopkins All Children's Hospital
Classification: Pathogenic for Duchenne muscular dystrophy. Last evaluated: 2017-02-07. Review status: criteria provided, single submitter. Criteria: ACMG Guidelines, 2015. Collection method: clinical testing. Allele origin: germline. Affected: yes.

Clinical Molecular Genetics Laboratory, Johns Hopkins All Children's Hospital
Classification: Pathogenic for Becker muscular dystrophy. Last evaluated: 2017-02-07. Review status: criteria provided, single submitter. Criteria: ACMG Guidelines, 2015. Collection method: clinical testing. Allele origin: germline. Affected: yes.

Athena Diagnostics
Classification: Pathogenic. Last evaluated: 2014-08-04. Review status: criteria provided, single submitter. Criteria: Athena Diagnostics Criteria. Collection method: clinical testing. Allele origin: germline.

Clinical Genetics Service, Universitary Hospital 12 de Octubre
Classification: Pathogenic for Duchenne muscular dystrophy. Review status: criteria provided, single submitter. Criteria: ACMG Guidelines, 2015. Collection method: clinical testing. Allele origin: maternal. Affected: yes.

Counsyl
Classification: Likely pathogenic for Becker muscular dystrophy. Last evaluated: 2018-12-07. Review status: no assertion criteria provided. Collection method: clinical testing. Allele origin: unknown. Not counted in ClinVar's aggregate classification.

Counsyl
Classification: Likely pathogenic for Dilated cardiomyopathy 3B. Last evaluated: 2018-12-07. Review status: no assertion criteria provided. Collection method: clinical testing. Allele origin: unknown. Not counted in ClinVar's aggregate classification.

Counsyl
Classification: Likely pathogenic for Duchenne muscular dystrophy. Last evaluated: 2018-12-07. Review status: no assertion criteria provided. Collection method: clinical testing. Allele origin: unknown. Not counted in ClinVar's aggregate classification.

CSER _CC_NCGL, University of Washington
Classification: Likely pathogenic for Muscular dystrophy, Becker. Last evaluated: 2014-06-01. Review status: no assertion criteria provided. Collection method: research. Allele origin: germline. Inheritance: X-linked inheritance. Study: ESP 6500 variant annotation. Not counted in ClinVar's aggregate classification.
Comment: Variants classified for the Actionable exomic incidental findings in 6503 participants: challenges of variant classification manuscript

Revvity Omics, Revvity
Classification: Uncertain significance. Last evaluated: 2025-01-02. Review status: flagged submission. Criteria: ACMG Guidelines, 2015. Collection method: clinical testing. Allele origin: germline. Not counted in ClinVar's aggregate classification.
ClinVar note: Reason: Outlier claim with insufficient supporting evidence

Literature cited by the submitters: PubMed 17259292 (cited by 5 submitters); PubMed 19937601 (cited by 4 submitters); PubMed 27930565 (cited by 5 submitters); PubMed 32194622 (cited by 5 submitters); PubMed 37510298 (cited by Ambry Genetics); PubMed 31404137 (cited by Women's Health and Genetics/Laboratory Corporation of America, LabCorp); PubMed 25637381 (cited by North West Genomic Laboratory Hub, Manchester University NHS Foundation Trust); PubMed 22223181 (cited by Counsyl); PubMed 17854090 (cited by Counsyl).